The following is an entry in ClinVar:

ClinVar aggregate classification (germline): Uncertain significance (1 of 4 stars; one submission).

Allele frequency attached by ClinVar (database versions not stated): gnomAD exomes below 0.00001 and 0.00001; TOPMed 0.00001; ExAC 0.00002.
gnomAD v4.1: 6 of 1,611,064 alleles (0.00037%); highest among the groups gnomAD compares: East Asian, 0.0045%; no homozygotes.

Submission:

Labcorp Genetics (formerly Invitae), Labcorp
Classification: Uncertain significance. Last evaluated: 2025-01-13. Review status: criteria provided, single submitter. Criteria: Invitae Variant Classification Sherloc (09022015). Collection method: clinical testing. Allele origin: germline.
Comment: This sequence change replaces serine, which is neutral and polar, with cysteine, which is neutral and slightly polar, at codon 180 of the RASGRP1 protein (p.Ser180Cys). This variant is present in population databases (rs377660704, gnomAD 0.01%). This variant has not been reported in the literature in individuals affected with RASGRP1-related conditions. ClinVar contains an entry for this variant (Variation ID: 1396283). Invitae Evidence Modeling of protein sequence and biophysical properties (such as structural, functional, and spatial information, amino acid conservation, physicochemical variation, residue mobility, and thermodynamic stability) has been performed for this missense variant. However, the output from this modeling did not meet the statistical confidence thresholds required to predict the impact of this variant on RASGRP1 protein function. In summary, the available evidence is currently insufficient to determine the role of this variant in disease. Therefore, it has been classified as a Variant of Uncertain Significance.

NM_005739.4(RASGRP1):c.539C>G (p.Ser180Cys)

Gene: RASGRP1 (RAS guanyl releasing protein 1; minus strand). Cytogenetic location: 15q14.
Variant type: single nucleotide variant.
Coding change: c.539C>G on transcript NM_005739.4 (MANE Select); coding-DNA position 539, C replaced by G.
Protein change: p.Ser180Cys; replaces serine 180 with cysteine.
Molecular consequence: missense variant.
Genome position (GRCh38, 1-based): chr15:38,516,333, G>C on the plus strand (C>G on the coding strand, the complement: RASGRP1 is on the minus strand). VCF-style: chr15-38516333-G-C. GRCh37 (hg19) VCF-style: chr15-38808534-G-C.
Other names: c.539C>G, p.Ser180Cys (NM_001128602.2, NM_001306086.2); short protein forms S180C.
Identifiers: ClinVar variation 1396283 (VCV001396283.8), dbSNP rs377660704, ClinGen allele CA7471078.
Genomic context (GRCh38, chr15:38,516,333, plus strand): 5'-AGCAGGGAGACTTTCCGTTTCTTGCTGGTATTTGATTTTATCCTTTGAGTAAGTTTCCTG[G>C]ACCAGTCACGGGCATTGCTTTTGTGGGTAAATGTGAAAGGGAGAAGACAGGGAAAAGGAA-3'
Protein context (NP_005730.2, residues 170-190): DTTQINARDW[Ser180Cys]RKLTQRIKSN